The following is an entry in ClinVar:

NM_012193.4(FZD4):c.830G>A (p.Arg277Gln)

Genes: FZD4 (frizzled class receptor 4; minus strand), PRSS23 (serine protease 23; plus strand). Cytogenetic location: 11q14.2.
Variant type: single nucleotide variant.
Coding change: c.830G>A on transcript NM_012193.4 (MANE Select); coding-DNA position 830, G replaced by A.
Protein change: p.Arg277Gln; replaces arginine 277 with glutamine.
Molecular consequence: missense variant. On other transcripts: non-coding transcript variant (2).
Genome position (GRCh38, 1-based): chr11:86,951,926, C>T on the plus strand (G>A on the coding strand, the complement: FZD4 is on the minus strand). VCF-style: chr11-86951926-C-T. GRCh37 (hg19) VCF-style: chr11-86662968-C-T.
Other names: short protein forms R277Q.
Identifiers: ClinVar variation 2062822 (VCV002062822.4), dbSNP rs148970041, ClinGen allele CA225381158.

ClinVar aggregate classification (germline): Uncertain significance (1 of 4 stars; one submission).

Allele frequency attached by ClinVar (database versions not stated): ESP Exome Variant Server 0.00008; TOPMed 0.00002; gnomAD exomes 0.00001.
gnomAD v4.1: 19 of 1,613,728 alleles (0.0012%); highest among the groups gnomAD compares: East Asian, 0.011%; no homozygotes.

Submission:

Labcorp Genetics (formerly Invitae), Labcorp
Classification: Uncertain significance. Last evaluated: 2025-03-17. Review status: criteria provided, single submitter. Criteria: Invitae Variant Classification Sherloc (09022015). Collection method: clinical testing. Allele origin: germline.
Comment: This sequence change replaces arginine, which is basic and polar, with glutamine, which is neutral and polar, at codon 277 of the FZD4 protein (p.Arg277Gln). This variant is present in population databases (rs148970041, gnomAD 0.006%). This variant has not been reported in the literature in individuals affected with FZD4-related conditions. ClinVar contains an entry for this variant (Variation ID: 2062822). Invitae Evidence Modeling of protein sequence and biophysical properties (such as structural, functional, and spatial information, amino acid conservation, physicochemical variation, residue mobility, and thermodynamic stability) indicates that this missense variant is not expected to disrupt FZD4 protein function with a negative predictive value of 80%. In summary, the available evidence is currently insufficient to determine the role of this variant in disease. Therefore, it has been classified as a Variant of Uncertain Significance.